The following is an entry in ClinVar:

NM_001374736.1(DST):c.18489G>C (p.Trp6163Cys)

Gene: DST (dystonin; minus strand). Cytogenetic location: 6p12.1.
Variant type: single nucleotide variant.
Coding change: c.18489G>C on transcript NM_001374736.1 (MANE Select); coding-DNA position 18489, G replaced by C.
Protein change: p.Trp6163Cys; replaces tryptophan 6163 with cysteine.
Molecular consequence: missense variant.
Genome position (GRCh38, 1-based): chr6:56,515,537, C>G on the plus strand (G>C on the coding strand, the complement: DST is on the minus strand). VCF-style: chr6-56515537-C-G. GRCh37 (hg19) VCF-style: chr6-56380335-C-G.
Other names: c.12132G>C, p.Trp4044Cys (NM_001144769.5); c.11718G>C, p.Trp3906Cys (NM_001144770.2); c.18489G>C, p.Trp6163Cys (NM_001374722.1); c.17529G>C, p.Trp5843Cys (NM_001374729.1); c.11271G>C, p.Trp3757Cys (NM_001374730.1); c.18516G>C, p.Trp6172Cys (NM_001374734.1); c.11598G>C, p.Trp3866Cys (NM_001386100.1, NM_183380.4); c.10620G>C, p.Trp3540Cys (NM_015548.5); short protein forms W3540C, W3757C, W5843C, W3906C, W4044C, W6163C, W6172C, W3866C.
Identifiers: ClinVar variation 1356969 (VCV001356969.6), dbSNP rs887841668, ClinGen allele CA139179956.

ClinVar aggregate classification (germline): Uncertain significance (1 of 4 stars; one submission).

Conditions:
Hereditary sensory and autonomic neuropathy type 6. Also called: Neuropathy, hereditary sensory and autonomic, type VI; HSAN VI. Identifiers: Orphanet 314381, MedGen C3539003, MONDO:0013839, OMIM 614653.
Epidermolysis bullosa simplex 3, localized or generalized intermediate, with BP230 deficiency (EBS3). Also called: Epidermolysis bullosa simplex due to BP230 deficiency; Epidermolysis bullosa simplex, autosomal recessive 2. Identifiers: Orphanet 412181, MedGen C3809470, MONDO:0014180, OMIM 615425.

Allele frequency attached by ClinVar (database versions not stated): TOPMed below 0.00001.

Submission:

Labcorp Genetics (formerly Invitae), Labcorp
Classification: Uncertain significance for Epidermolysis bullosa simplex 3, localized or generalized intermediate, with BP230 deficiency; Hereditary sensory and autonomic neuropathy type 6. Last evaluated: 2021-04-22. Review status: criteria provided, single submitter. Criteria: Invitae Variant Classification Sherloc (09022015). Collection method: clinical testing. Allele origin: germline.
Comment: This sequence change replaces tryptophan with cysteine at codon 3540 of the DST protein (p.Trp3540Cys). The DST gene has multiple clinically relevant transcripts. This variant occurs in alternate transcript NM_015548.4, and corresponds to NM_001723.5:c.*99980G>C in the primary transcript. In summary, the available evidence is currently insufficient to determine the role of this variant in disease. Therefore, it has been classified as a Variant of Uncertain Significance. Experimental studies and prediction algorithms are not available or were not evaluated, and the functional significance of this variant is currently unknown. This variant has not been reported in the literature in individuals with DST-related conditions. This variant is not present in population databases (ExAC no frequency).